The following is an entry in ClinVar:

NM_000038.6(APC):c.8288G>C (p.Ser2763Thr)

Gene: APC (APC regulator of Wnt signaling pathway; plus strand). Cytogenetic location: 5q22.2.
Variant type: single nucleotide variant.
Coding change: c.8288G>C on transcript NM_000038.6 (MANE Select); coding-DNA position 8288, G replaced by C.
Protein change: p.Ser2763Thr; replaces serine 2763 with threonine.
Molecular consequence: missense variant.
Genome position (GRCh38, 1-based): chr5:112,843,882, G>C. VCF-style: chr5-112843882-G-C. GRCh37 (hg19) VCF-style: chr5-112179579-G-C.
Other names: c.8288G>C, p.Ser2763Thr (NM_001127510.3, NM_001354895.2); c.8234G>C, p.Ser2745Thr (NM_001127511.3); c.8342G>C, p.Ser2781Thr (NM_001354896.2); c.8318G>C, p.Ser2773Thr (NM_001354897.2); c.8213G>C, p.Ser2738Thr (NM_001354898.2); c.8204G>C, p.Ser2735Thr (NM_001354899.2); c.8165G>C, p.Ser2722Thr (NM_001354900.2); c.8111G>C, p.Ser2704Thr (NM_001354901.2); and 5 more; short protein forms S2735T, S2773T, S2781T, S2662T, S2722T, S2480T, S2637T, S2672T.
Identifiers: ClinVar variation 1468838 (VCV001468838.8), dbSNP rs1766706339, ClinGen allele CA16039312.

ClinVar aggregate classification (germline): Uncertain significance (1 of 4 stars; one submission).

Conditions:
Familial adenomatous polyposis 1 (FAP1). Also called: FAMILIAL ADENOMATOUS POLYPOSIS 1, ATTENUATED; POLYPOSIS, ADENOMATOUS INTESTINAL. Identifiers: MedGen C2713442, MONDO:0021056, OMIM 175100. Disease mechanism: loss of function.

Submission:

Labcorp Genetics (formerly Invitae), Labcorp
Classification: Uncertain significance for Familial adenomatous polyposis 1. Last evaluated: 2021-06-23. Review status: criteria provided, single submitter. Criteria: Invitae Variant Classification Sherloc (09022015). Collection method: clinical testing. Allele origin: germline.
Comment: In summary, the available evidence is currently insufficient to determine the role of this variant in disease. Therefore, it has been classified as a Variant of Uncertain Significance. Algorithms developed to predict the effect of missense changes on protein structure and function (SIFT, PolyPhen-2, Align-GVGD) all suggest that this variant is likely to be tolerated, but these predictions have not been confirmed by published functional studies and their clinical significance is uncertain. This variant has not been reported in the literature in individuals with APC-related conditions. This variant is not present in population databases (ExAC no frequency). This sequence change replaces serine with threonine at codon 2763 of the APC protein (p.Ser2763Thr). The serine residue is highly conserved and there is a small physicochemical difference between serine and threonine.